The following is an entry in ClinVar:

NM_014845.6(FIG4):c.1313A>G (p.Glu438Gly)

Gene: FIG4 (FIG4 phosphoinositide 5-phosphatase; plus strand). Cytogenetic location: 6q21.
Variant type: single nucleotide variant.
Coding change: c.1313A>G on transcript NM_014845.6 (MANE Select); coding-DNA position 1313, A replaced by G.
Protein change: p.Glu438Gly; replaces glutamic acid 438 with glycine.
Molecular consequence: missense variant.
Genome position (GRCh38, 1-based): chr6:109,762,132, A>G. VCF-style: chr6-109762132-A-G. GRCh37 (hg19) VCF-style: chr6-110083335-A-G.
Other names: short protein forms E438G.
Identifiers: ClinVar variation 579618 (VCV000579618.11), dbSNP rs535554973, ClinGen allele CA3956040.

ClinVar aggregate classification (germline): Uncertain significance. Review status: criteria provided, multiple submitters, no conflicts (2 of 4 stars). 2 submissions from 2 submitters: Uncertain significance (2). Last evaluated 2025-12-01.

Conditions:
Inborn genetic diseases. Identifiers: MedGen C0950123, MeSH D030342.
Charcot-Marie-Tooth disease type 4. Also called: Charcot-Marie-Tooth, Type 4; Charcot-Marie-Tooth disease, type IV. Identifiers: Orphanet 64749, MedGen C4082197, MONDO:0018995.

Allele frequency attached by ClinVar (database versions not stated): gnomAD 0.00001; gnomAD exomes 0.00001 and 0.00002; ExAC 0.00003; 1000 Genomes Project 30x 0.00016; 1000 Genomes Project 0.00020.
gnomAD v4.1: 11 of 1,613,796 alleles (0.00068%); highest among the groups gnomAD compares: South Asian, 0.011%; no homozygotes.

Submissions (2):

Labcorp Genetics (formerly Invitae), Labcorp
Classification: Uncertain significance for Charcot-Marie-Tooth disease type 4. Last evaluated: 2025-12-01. Review status: criteria provided, single submitter. Criteria: Invitae Variant Classification Sherloc (09022015). Collection method: clinical testing. Allele origin: germline.
Comment: This sequence change replaces glutamic acid, which is acidic and polar, with glycine, which is neutral and non-polar, at codon 438 of the FIG4 protein (p.Glu438Gly). This variant is present in population databases (rs535554973, gnomAD 0.02%). This variant has not been reported in the literature in individuals affected with FIG4-related conditions. ClinVar contains an entry for this variant (Variation ID: 579618). An algorithm developed to predict the effect of missense changes on protein structure and function (PolyPhen-2) suggests that this variant is likely to be tolerated. In summary, the available evidence is currently insufficient to determine the role of this variant in disease. Therefore, it has been classified as a Variant of Uncertain Significance.

Ambry Genetics
Classification: Uncertain significance for Inborn genetic diseases. Last evaluated: 2020-03-11. Review status: criteria provided, single submitter. Criteria: Ambry Variant Classification Scheme 2023. Collection method: clinical testing. Allele origin: germline.
Comment: The p.E438G variant (also known as c.1313A>G), located in coding exon 12 of the FIG4 gene, results from an A to G substitution at nucleotide position 1313. The glutamic acid at codon 438 is replaced by glycine, an amino acid with similar properties. This amino acid position is highly conserved in available vertebrate species. In addition, this alteration is predicted to be deleterious by in silico analysis. Since supporting evidence is limited at this time, the clinical significance of this alteration remains unclear.